The following is an entry in ClinVar:

NC_000005.10:g.(?_162067980)_(162068126_?)del

Gene: GABRG2 (gamma-aminobutyric acid type A receptor subunit gamma2; plus strand). Cytogenetic location: 5q34.
Variant type: Deletion.
Identifiers: ClinVar variation 831562 (VCV000831562.1).

ClinVar aggregate classification (germline): Pathogenic (1 of 4 stars; one submission).

Conditions:
Febrile seizures, familial, 8 (FEB8). Also called: CONVULSIONS, FAMILIAL FEBRILE, 8. Identifiers: Orphanet 36387, MedGen C1969810, MONDO:0011891, OMIM 607681.
EPILEPSY, CHILDHOOD ABSENCE, SUSCEPTIBILITY TO, 2 (ECA2). Identifiers: Orphanet 64280, MedGen C1843244, OMIM 607681.

Submission:

Labcorp Genetics (formerly Invitae), Labcorp
Classification: Pathogenic for Familial febrile seizures 8; Epilepsy, childhood absence 2. Last evaluated: 2020-01-03. Review status: criteria provided, single submitter. Criteria: Invitae Variant Classification Sherloc (09022015). Collection method: clinical testing. Allele origin: germline.
Comment: This variant is a gross deletion of the genomic region encompassing exon(s) 1 of the GABRG2 gene, which includes the initiator codon. The 5' end of this event is unknown as it extends beyond the assayed region for this gene and therefore may encompass additional genes. The 3' boundary is likely confined to intron 1 of the GABRG2 gene. This is expected to result in an absent or disrupted protein product. This variant has not been reported in the literature in individuals with GABRG2-related conditions. Loss-of-function variants in GABRG2 are known to be pathogenic (PMID: 22539854, 22750526, 24407264). For these reasons, this variant has been classified as Pathogenic.